The following is an entry in ClinVar:

NM_004990.4(MARS1):c.886A>T (p.Arg296Trp)

Gene: MARS1 (methionyl-tRNA synthetase 1; plus strand). Cytogenetic location: 12q13.3.
Variant type: single nucleotide variant.
Coding change: c.886A>T on transcript NM_004990.4 (MANE Select); coding-DNA position 886, A replaced by T.
Protein change: p.Arg296Trp; replaces arginine 296 with tryptophan.
Molecular consequence: missense variant.
Genome position (GRCh38, 1-based): chr12:57,498,272, A>T. VCF-style: chr12-57498272-A-T. GRCh37 (hg19) VCF-style: chr12-57892055-A-T.
Other names: short protein forms R296W.
Identifiers: ClinVar variation 1944589 (VCV001944589.5), dbSNP rs2540286116, ClinGen allele CA385455037.

ClinVar aggregate classification (germline): Uncertain significance (1 of 4 stars; one submission).

Conditions:
Charcot-Marie-Tooth disease axonal type 2U. Also called: CHARCOT-MARIE-TOOTH NEUROPATHY, TYPE 2U; CHARCOT-MARIE-TOOTH DISEASE, AXONAL, AUTOSOMAL DOMINANT, TYPE 2U. Identifiers: Orphanet 397735, MedGen C4084821, MONDO:0014566, OMIM 616280.
Severe early-onset pulmonary alveolar proteinosis due to MARS deficiency. Also called: PULMONARY ALVEOLAR PROTEINOSIS, REUNION ISLAND; Interstitial lung and liver disease. Identifiers: Orphanet 440427, MedGen C4225400, MONDO:0014206, OMIM 615486.

Allele frequency attached by ClinVar (database versions not stated): gnomAD exomes below 0.00001.
gnomAD v4.1: 2 of 1,613,510 alleles (0.00012%); highest among the groups gnomAD compares: Non-Finnish European, 0.000085%; no homozygotes.

Submission:

Labcorp Genetics (formerly Invitae), Labcorp
Classification: Uncertain significance for Charcot-Marie-Tooth disease axonal type 2U; Severe early-onset pulmonary alveolar proteinosis due to MARS deficiency. Last evaluated: 2022-08-21. Review status: criteria provided, single submitter. Criteria: Invitae Variant Classification Sherloc (09022015). Collection method: clinical testing. Allele origin: germline.
Comment: Algorithms developed to predict the effect of missense changes on protein structure and function are either unavailable or do not agree on the potential impact of this missense change (SIFT: "Deleterious"; PolyPhen-2: "Probably Damaging"; Align-GVGD: "Class C0"). This sequence change replaces arginine, which is basic and polar, with tryptophan, which is neutral and slightly polar, at codon 296 of the MARS protein (p.Arg296Trp). This variant is not present in population databases (gnomAD no frequency). This variant has not been reported in the literature in individuals affected with MARS-related conditions. Algorithms developed to predict the effect of sequence changes on RNA splicing suggest that this variant may disrupt the consensus splice site. In summary, the available evidence is currently insufficient to determine the role of this variant in disease. Therefore, it has been classified as a Variant of Uncertain Significance.